The following is an entry in ClinVar:

NM_170784.3(MKKS):c.1167G>C (p.Thr389=)

Gene: MKKS (MKKS centrosomal shuttling protein; minus strand). Cytogenetic location: 20p12.2.
Variant type: single nucleotide variant.
Coding change: c.1167G>C on transcript NM_170784.3 (MANE Select); coding-DNA position 1167, G replaced by C.
Protein change: p.Thr389=; no amino-acid change (threonine 389 retained).
Molecular consequence: synonymous variant. On other transcripts: non-coding transcript variant (1).
Genome position (GRCh38, 1-based): chr20:10,407,721, C>G on the plus strand (G>C on the coding strand, the complement: MKKS is on the minus strand). VCF-style: chr20-10407721-C-G. GRCh37 (hg19) VCF-style: chr20-10388369-C-G.
Other names: c.1167G>C, p.Thr389= (NM_018848.3).
Identifiers: ClinVar variation 2937836 (VCV002937836.5), dbSNP rs367980245, ClinGen allele CA9763536.
Genomic context (GRCh38, chr20:10,407,721, plus strand): 5'-TCCCAACAAAGCCCATGGTTCCTTGAGTGTTAACTGCAGGACATGCAGTGCCGTCTGACA[C>G]GTGAGCTAAGAAAAAACCCAAATCATCAGAATCAGACGTTCACATCATATTAACACACAA-3'
Protein context (NP_740754.1, residues 379-399): NDTAWDELKL[Thr389=]CQTALHVLQL

ClinVar aggregate classification (germline): Likely benign. Review status: criteria provided, multiple submitters, no conflicts (2 of 4 stars). 3 submissions from 3 submitters: Likely benign (3). Last evaluated 2025-10-28.

Conditions:
Bardet-Biedl syndrome (BBS). Identifiers: Orphanet 110, MedGen C0752166, MONDO:0015229.
McKusick-Kaufman syndrome (MKKS). Also called: HYDROMETROCOLPOS SYNDROME; HYDROMETROCOLPOS, POSTAXIAL POLYDACTYLY, AND CONGENITAL HEART MALFORMATION. Identifiers: Orphanet 2473, MedGen C0948368, MONDO:0009367, OMIM 236700.
MKKS-related disorder. Also called: MKKS-related condition; MKKS-related disorders.

gnomAD v4.1: 27 of 1,613,136 alleles (0.0017%); highest among the groups gnomAD compares: Non-Finnish European, 0.0022%; no homozygotes.

Submissions (3):

PreventionGenetics, part of Exact Sciences
Classification: Likely benign for MKKS-related condition. Last evaluated: 2025-10-28. Review status: criteria provided, single submitter. Criteria: ACMG Guidelines, 2015. Collection method: clinical testing. Allele origin: germline.
Comment: This variant is classified as likely benign based on ACMG/AMP sequence variant interpretation guidelines (Richards et al. 2015 PMID: 25741868, with internal and published modifications).

Labcorp Genetics (formerly Invitae), Labcorp
Classification: Likely benign for McKusick-Kaufman syndrome; Bardet-Biedl syndrome. Last evaluated: 2025-04-30. Review status: criteria provided, single submitter. Criteria: Invitae Variant Classification Sherloc (09022015). Collection method: clinical testing. Allele origin: germline.

Blueprint Genetics
Classification: Likely benign. Last evaluated: 2023-04-19. Review status: criteria provided, single submitter. Criteria: ACMG Guidelines, 2015. Collection method: clinical testing. Allele origin: germline.